The following is an entry in ClinVar:

NM_001160331.2(NFASC):c.2616C>G (p.Tyr872Ter)

Gene: NFASC (neurofascin; plus strand). Cytogenetic location: 1q32.1.
Variant type: single nucleotide variant.
Coding change: c.2616C>G on transcript NM_001160331.2 (MANE Plus Clinical); coding-DNA position 2616, C replaced by G.
Protein change: p.Tyr872Ter; replaces tyrosine 872 with a stop codon.
Molecular consequence: nonsense. On other transcripts: intron variant (2).
Genome position (GRCh38, 1-based): chr1:204,984,139, C>G. VCF-style: chr1-204984139-C-G. GRCh37 (hg19) VCF-style: chr1-204953267-C-G.
Other names: c.2571C>G, p.Tyr857Ter (NM_001160332.2, NM_015090.4); c.2583C>G, p.Tyr861Ter (NM_001378329.1); c.2470+2119C>G (NM_001005388.3); c.2458+2119C>G (NM_001365986.1); short protein forms Y857*, Y861*, Y872*.
Identifiers: ClinVar variation 4535430 (VCV004535430.6).

ClinVar aggregate classification (germline): Likely pathogenic (1 of 4 stars; one submission).

Submission:

CeGaT Center for Human Genetics Tuebingen
Classification: Likely pathogenic. Last evaluated: 2025-10-01. Review status: criteria provided, single submitter. Criteria: CeGaT Center For Human Genetics Tuebingen Variant Classification Criteria Version 2. Collection method: clinical testing. Allele origin: germline. Affected: yes. Observed: 1 variant allele.
Comment: NFASC: PVS1:Strong, PM2, PM3:Supporting